The following is an entry in ClinVar:

ClinVar aggregate classification (germline): Conflicting classifications of pathogenicity. Review status: criteria provided, conflicting classifications (1 of 4 stars). 6 submissions from 6 submitters: Pathogenic (1); Likely pathogenic (1); Uncertain significance (4). Last evaluated 2026-09-27.

Conditions:
Cardiovascular phenotype. Identifiers: MedGen CN230736.
Cardiomyopathy (CMYO). Also called: Cardiomyopathies. Identifiers: Orphanet 167848, MedGen C0878544, MONDO:0004994, HP:0001638. Inheritance: Various modes of inheritance.
Left ventricular noncompaction. Identifiers: Orphanet 54260, MedGen C1960469, MONDO:0018901, HP:0030682.
Hypertrophic cardiomyopathy. Also called: HYPERTROPHIC MYOCARDIOPATHY. Identifiers: Orphanet 217569, MedGen C0007194, MeSH D002312, MONDO:0005045, HP:0001639.

Allele frequency attached by ClinVar (database versions not stated): TOPMed 0.00001.
gnomAD v4.1: 2 of 1,613,954 alleles (0.00012%); highest among the groups gnomAD compares: Non-Finnish European, 0.00017%; no homozygotes.

Submissions (6):

GeneDx
Classification: Uncertain significance. Last evaluated: 2026-09-27. Review status: criteria provided, single submitter. Criteria: GeneDx Variant Classification Process June 2021. Collection method: clinical testing. Allele origin: germline.
Comment: Not observed at significant frequency in large population cohorts (gnomAD); In silico analysis supports that this missense variant has a deleterious effect on protein structure/function; This variant is associated with the following publications: (PMID: 27066506, 20031619, 20965760, 34819141, 33764162, 35284542, 30665703)

Labcorp Genetics (formerly Invitae), Labcorp
Classification: Pathogenic for Hypertrophic cardiomyopathy. Last evaluated: 2025-11-24. Review status: criteria provided, single submitter. Criteria: Invitae Variant Classification Sherloc (09022015). Collection method: clinical testing. Allele origin: germline.
Comment: This sequence change replaces arginine, which is basic and polar, with tryptophan, which is neutral and slightly polar, at codon 1250 of the MYH7 protein (p.Arg1250Trp). This variant is not present in population databases (gnomAD no frequency). This missense change has been observed in individuals with dilated cardiomyopathy and/or left ventricular noncompaction (PMID: 20031619, 20965760; internal data). It has also been observed to segregate with disease in related individuals. ClinVar contains an entry for this variant (Variation ID: 164299). Invitae Evidence Modeling of protein sequence and biophysical properties (such as structural, functional, and spatial information, amino acid conservation, physicochemical variation, residue mobility, and thermodynamic stability) indicates that this missense variant is expected to disrupt MYH7 protein function with a positive predictive value of 95%. For these reasons, this variant has been classified as Pathogenic.

Ambry Genetics
Classification: Uncertain significance for Cardiovascular phenotype. Last evaluated: 2025-01-03. Review status: criteria provided, single submitter. Criteria: Ambry Variant Classification Scheme 2023. Collection method: clinical testing. Allele origin: germline.
Comment: The p.R1250W variant (also known as c.3748C>T), located in coding exon 26 of the MYH7 gene, results from a C to T substitution at nucleotide position 3748. The arginine at codon 1250 is replaced by tryptophan, an amino acid with dissimilar properties. This variant has also been reported in hypertrophic cardiomyopathy (HCM), DCM and biobank cohorts (Shen C et al. Ann Transl Med, 2022 Feb;10:129; Daoud H et al. J Mol Diagn, 2019 May;21:437-448; Wright CF et al. Am J Hum Genet, 2019 Feb;104:275-286; Puckelwartz MJ et al. J Am Heart Assoc, 2021 Apr;10:e019944). This amino acid position is highly conserved in available vertebrate species. In addition, this alteration is predicted to be deleterious by in silico analysis. Since supporting evidence is limited at this time, the clinical significance of this alteration remains unclear.

All of Us Research Program, National Institutes of Health
Classification: Uncertain significance for Cardiomyopathy. Last evaluated: 2024-04-16. Review status: criteria provided, single submitter. Criteria: ACMG Guidelines, 2015. Collection method: clinical testing. Allele origin: germline. Inheritance: Autosomal dominant inheritance. Observed: 1 variant allele, 1 heterozygote.
Comment: This missense variant replaces arginine with tryptophan at codon 1250 of the MYH7 protein. Computational prediction tools indicate that this variant has a deleterious impact on protein structure and function. To our knowledge, functional studies have not been reported for this variant. This variant has been reported in at least two individuals affected with dilated cardiomyopathy (PMID: 20031619, 35284542). It has been shown that this variant segregates with disease in three affected individuals from one family (PMID: 20031619). This variant has also been reported in one individual affected with left ventricular noncompaction (PMID: 20965760). This variant has not been identified in the general population by the Genome Aggregation Database (gnomAD). The available evidence is insufficient to determine the role of this variant in disease conclusively. Therefore, this variant is classified as a Variant of Uncertain Significance.

This study involves interpretation of variants in research participants for the purpose of population health screening. Participant phenotype was not available at the time of variant classification. Additional details can be found in publication PMID: 35346344, PMCID: PMC8962531

Women's Health and Genetics/Laboratory Corporation of America, LabCorp
Classification: Uncertain significance. Last evaluated: 2022-02-07. Review status: criteria provided, single submitter. Criteria: LabCorp Variant Classification Summary - May 2015. Collection method: clinical testing. Allele origin: germline.
Comment: Variant summary: MYH7 c.3748C>T (p.Arg1250Trp) results in a non-conservative amino acid change located in the Myosin tail domain (IPR002928) of the encoded protein sequence. Five of five in-silico tools predict a damaging effect of the variant on protein function. The variant was absent in 251332 control chromosomes (gnomAD). c.3748C>T has been reported in the literature in three individuals affected with Cardiomyopathy and the variant segregated with disease in this family (example: Dellefave_2009). To our knowledge, no experimental evidence demonstrating an impact on protein function has been reported. Two clinical diagnostic laboratories have submitted clinical-significance assessments for this variant to ClinVar after 2014 and classified the variant as uncertain significance. Based on the evidence outlined above, the variant was classified as uncertain significance.

Laboratory for Molecular Medicine, Mass General Brigham Personalized Medicine
Classification: Likely pathogenic for Left ventricular noncompaction. Last evaluated: 2014-04-09. Review status: criteria provided, single submitter. Criteria: LMM Criteria. Collection method: clinical testing. Allele origin: germline. Inheritance: Autosomal dominant inheritance. Observed: 3 variant alleles.
Comment: It was absent from large population studies. Arginine (Arg) at pos ition 1250 is highly conserved in evolution and the change to tryptophan (Trp) w as predicted to be pathogenic using a computational tool clinically validated by our laboratory. This tool's pathogenic prediction is estimated to be correct 94 % of the time (Jordan 2011). In summary, although additional studies are require d to fully establish its clinical significance, the Arg1250Trp variant is likely pathogenic.

Literature cited by the submitters: PubMed 20031619 (cited by 5 submitters); PubMed 20965760 (cited by 3 submitters); PubMed 30665703 (cited by Ambry Genetics); PubMed 30731207 (cited by Ambry Genetics); PubMed 33764162 (cited by Ambry Genetics); PubMed 35284542 (cited by Ambry Genetics and All of Us Research Program, National Institutes of Health).

NM_000257.4(MYH7):c.3748C>T (p.Arg1250Trp)

Gene: MYH7 (myosin heavy chain 7; minus strand). Cytogenetic location: 14q11.2.
Variant type: single nucleotide variant.
Coding change: c.3748C>T on transcript NM_000257.4 (MANE Select); coding-DNA position 3748, C replaced by T.
Protein change: p.Arg1250Trp; replaces arginine 1250 with tryptophan.
Molecular consequence: missense variant.
Genome position (GRCh38, 1-based): chr14:23,419,588, G>A on the plus strand (C>T on the coding strand, the complement: MYH7 is on the minus strand). VCF-style: chr14-23419588-G-A. GRCh37 (hg19) VCF-style: chr14-23888797-G-A.
Other names: short protein forms R1250W.
Identifiers: ClinVar variation 164299 (VCV000164299.20), dbSNP rs727503249, ClinGen allele CA014039.